The following is an entry in ClinVar:

ClinVar aggregate classification (germline): Uncertain significance (1 of 4 stars; one submission).

Conditions:
Autosomal recessive congenital ichthyosis 1 (LI1). Also called: COLLODION FETUS; DESQUAMATION OF NEWBORN; ICHTHYOSIS, CONGENITAL, AUTOSOMAL RECESSIVE 1, WITH BATHING SUIT DISTRIBUTION; ICHTHYOSIS CONGENITA; ICHTHYOSIS CONGENITA II; LAMELLAR EXFOLIATION OF NEWBORN. Identifiers: MedGen C4551630, MONDO:0009441, OMIM 242300.

Submission:

Myriad Genetics, Inc.
Classification: Uncertain significance for Autosomal recessive congenital ichthyosis 1. Last evaluated: 2026-02-24. Review status: criteria provided, single submitter. Criteria: Myriad Autosomal Dominant, Autosomal Recessive and X-Linked Classification Criteria (2023). Collection method: clinical testing. Allele origin: unknown.
Comment: NM_000359.2(TGM1):c.1558_1560delGAG(E520del) is an in-frame deletion classified as a variant of uncertain significance in the context of TGM1-related autosomal recessive congenital ichthyosis. E520del has not been observed in cases with relevant disease. Relevant functional assessments of this variant are not available in the literature. E520del has not been observed in referenced population frequency databases. In summary, there is insufficient evidence to classify NM_000359.2(TGM1):c.1558_1560delGAG(E520del) as pathogenic or benign. Please note: this variant was assessed in the context of healthy population screening.

NM_000359.3(TGM1):c.1555GAG[1] (p.Glu520del)

Gene: TGM1 (transglutaminase 1; minus strand). Cytogenetic location: 14q12.
Variant type: Microsatellite.
Coding change: c.1555GAG[1] on transcript NM_000359.3 (MANE Select); one copy of the 3-base unit GAG starting at c.1555; the reference has two copies in a row; one copy, 3 bases deleted.
Protein change: p.Glu520del; deletes glutamic acid 520.
Molecular consequence: inframe deletion.
Genome position (GRCh38, 1-based): chr14:24,255,449-24,255,451, CTC deleted on the plus strand (GAG on the coding strand, the reverse complement: TGM1 is on the minus strand); deleting any 3 consecutive bases within chr14:24,255,449-24,255,455 gives the same sequence; the position shown is the placement nearest the transcript's 3' end. VCF-style (leftmost placement, unchanged base first): chr14-24255448-TCTC-T. GRCh37 (hg19) VCF-style: chr14-24724654-TCTC-T.
Other names: short protein forms E520del.
Identifiers: ClinVar variation 5004487 (VCV005004487.1).